The following is an entry in ClinVar:

NM_007055.4(POLR3A):c.1277C>A (p.Thr426Lys)

Gene: POLR3A (RNA polymerase III subunit A; minus strand). Cytogenetic location: 10q22.3.
Variant type: single nucleotide variant.
Coding change: c.1277C>A on transcript NM_007055.4 (MANE Select); coding-DNA position 1277, C replaced by A.
Protein change: p.Thr426Lys; replaces threonine 426 with lysine.
Molecular consequence: missense variant.
Genome position (GRCh38, 1-based): chr10:78,019,174, G>T on the plus strand (C>A on the coding strand, the complement: POLR3A is on the minus strand). VCF-style: chr10-78019174-G-T. GRCh37 (hg19) VCF-style: chr10-79778932-G-T.
Other names: short protein forms T426K.
Identifiers: ClinVar variation 1525831 (VCV001525831.3), dbSNP rs768303077, ClinGen allele CA5571498.
Genomic context (GRCh38, chr10:78,019,174, plus strand): 5'-TTTGCCATGAGAAAGTAGTTAAATCCAACTAGATTGGGAAAAGATTACCTTTTCATCTGC[G>T]TATGTCTCTGCTGAATGAAGTTTGCTCCTGGGTGAACCTCAGGGCCGTTTTGAACCAGTT-3'
Protein context (NP_008986.2, residues 416-436): PGANFIQQRH[Thr426Lys]QMKRFLKYGN

ClinVar aggregate classification (germline): Uncertain significance (1 of 4 stars; one submission).

gnomAD v4.1: 22 of 1,610,360 alleles (0.0014%); highest among the groups gnomAD compares: Non-Finnish European, 0.0019%; no homozygotes.

Submission:

Labcorp Genetics (formerly Invitae), Labcorp
Classification: Uncertain significance. Last evaluated: 2022-09-01. Review status: criteria provided, single submitter. Criteria: Invitae Variant Classification Sherloc (09022015). Collection method: clinical testing. Allele origin: germline.
Comment: This sequence change replaces threonine, which is neutral and polar, with lysine, which is basic and polar, at codon 426 of the POLR3A protein (p.Thr426Lys). This variant is present in population databases (rs768303077, gnomAD 0.004%). This variant has not been reported in the literature in individuals affected with POLR3A-related conditions. ClinVar contains an entry for this variant (Variation ID: 1525831). Algorithms developed to predict the effect of missense changes on protein structure and function (SIFT, PolyPhen-2, Align-GVGD) all suggest that this variant is likely to be tolerated. In summary, the available evidence is currently insufficient to determine the role of this variant in disease. Therefore, it has been classified as a Variant of Uncertain Significance.